The following is an entry in ClinVar:

NM_001256071.3(RNF213):c.1359C>T (p.Val453=)

Gene: RNF213 (ring finger protein 213; plus strand). Cytogenetic location: 17q25.3.
Variant type: single nucleotide variant.
Coding change: c.1359C>T on transcript NM_001256071.3 (MANE Select); coding-DNA position 1359, C replaced by T.
Protein change: p.Val453=; no amino-acid change (valine 453 retained).
Molecular consequence: synonymous variant.
Genome position (GRCh38, 1-based): chr17:80,291,715, C>T. VCF-style: chr17-80291715-C-T. GRCh37 (hg19) VCF-style: chr17-78265514-C-T.
Other names: c.1359C>T, p.Val453= (NM_020954.4).
Identifiers: ClinVar variation 734857 (VCV000734857.7), dbSNP rs7501767, ClinGen allele CA8819546.

ClinVar aggregate classification (germline): Benign. Review status: criteria provided, single submitter (1 of 4 stars). 2 submissions from 2 submitters: Benign (1). 1 of the submissions does not count toward it. Last evaluated 2025-07-23.

Conditions:
RNF213-related disorder. Also called: RNF213-related condition.

Allele frequency attached by ClinVar (database versions not stated): gnomAD exomes 0.00021 and 0.00009; ExAC 0.00024; 1000 Genomes Project 30x 0.00047; 1000 Genomes Project 0.00060; gnomAD 0.00074 and 0.00076; TOPMed 0.00074; ESP Exome Variant Server 0.00092.
gnomAD v4.1: 252 of 1,614,136 alleles (0.016%); highest among the groups gnomAD compares: African/African-American, 0.3%; 2 homozygotes.

Submissions (2):

Labcorp Genetics (formerly Invitae), Labcorp
Classification: Benign. Last evaluated: 2025-07-23. Review status: criteria provided, single submitter. Criteria: Invitae Variant Classification Sherloc (09022015). Collection method: clinical testing. Allele origin: germline.

PreventionGenetics, part of Exact Sciences
Classification: Likely benign for RNF213-related condition. Last evaluated: 2019-09-10. Review status: no assertion criteria provided. Collection method: clinical testing. Allele origin: germline. Not counted in ClinVar's aggregate classification.
Comment: This variant is classified as likely benign based on ACMG/AMP sequence variant interpretation guidelines (Richards et al. 2015 PMID: 25741868, with internal and published modifications).